The following is an entry in ClinVar:

ClinVar aggregate classification (germline): Benign/Likely benign. Review status: criteria provided, multiple submitters, no conflicts (2 of 4 stars). 2 submissions from 2 submitters: Benign (1); Likely benign (1). Last evaluated 2025-12-17.

Allele frequency attached by ClinVar (database versions not stated): gnomAD 0.00001 and 0.00002; gnomAD exomes 0.00002 and 0.00003; TOPMed 0.00002; ExAC 0.00003; ESP Exome Variant Server 0.00009.
gnomAD v4.1: 27 of 1,207,867 alleles (0.0022%); highest among the groups gnomAD compares: Non-Finnish European, 0.0026%; no homozygotes.

Submissions (2):

Labcorp Genetics (formerly Invitae), Labcorp
Classification: Benign. Last evaluated: 2025-12-17. Review status: criteria provided, single submitter. Criteria: Invitae Variant Classification Sherloc (09022015). Collection method: clinical testing. Allele origin: germline.

CeGaT Center for Human Genetics Tuebingen
Classification: Likely benign. Last evaluated: 2025-02-01. Review status: criteria provided, single submitter. Criteria: CeGaT Center For Human Genetics Tuebingen Variant Classification Criteria Version 2. Collection method: clinical testing. Allele origin: germline. Affected: yes. Observed: 1 variant allele.
Comment: NEXMIF: BP4, BP7, BS2

NM_001008537.3(NEXMIF):c.3288G>A (p.Lys1096=)

Gene: NEXMIF (neurite extension and migration factor; minus strand). Cytogenetic location: Xq13.3.
Variant type: single nucleotide variant.
Coding change: c.3288G>A on transcript NM_001008537.3 (MANE Select); coding-DNA position 3288, G replaced by A.
Protein change: p.Lys1096=; no amino-acid change (lysine 1096 retained).
Molecular consequence: synonymous variant.
Genome position (GRCh38, 1-based): chrX:74,741,269, C>T on the plus strand (G>A on the coding strand, the complement: NEXMIF is on the minus strand). VCF-style: chrX-74741269-C-T. GRCh37 (hg19) VCF-style: chrX-73961104-C-T.
Identifiers: ClinVar variation 1600090 (VCV001600090.21), dbSNP rs376193494, ClinGen allele CA10454962.
Genomic context (GRCh38, chrX:74,741,269, plus strand): 5'-GCAGTCCCACTTGATTTTTTCCACACTGTCCAATGGTCCTGGGACACCCTCTTGGAACCC[C>T]TTTAGTGTTCCTAGTGTCTTCATACTCTCACATCTGGTAATTTGAGGGGAAAGACTAGGG-3'
Protein context (NP_001008537.1, residues 1086-1106): CESMKTLGTL[Lys1096=]GFQEGVPGPL